The following is an entry in ClinVar:

NM_000540.3(RYR1):c.5559C>G (p.Ile1853Met)

Gene: RYR1 (ryanodine receptor 1; plus strand). Cytogenetic location: 19q13.2.
Variant type: single nucleotide variant.
Coding change: c.5559C>G on transcript NM_000540.3 (MANE Select); coding-DNA position 5559, C replaced by G.
Protein change: p.Ile1853Met; replaces isoleucine 1853 with methionine.
Molecular consequence: missense variant.
Genome position (GRCh38, 1-based): chr19:38,489,188, C>G. VCF-style: chr19-38489188-C-G. GRCh37 (hg19) VCF-style: chr19-38979828-C-G.
Other names: c.5559C>G, p.Ile1853Met (NM_001042723.2); short protein forms I1853M.
Identifiers: ClinVar variation 1719012 (VCV001719012.5), dbSNP rs2514245156, ClinGen allele CA405657360.
Genomic context (GRCh38, chr19:38,489,188, plus strand): 5'-GATGGAGGCCTTGCAGGCCACAGTGAAGAACCGAGACTTTGTCCTGTAGGTGATGGGCAT[C>G]TTTGGCGATGAGGATGTGAAACAGATCTTGAAGATGATTGAGCCTGAGGTCTTCACTGAG-3'
Protein context (NP_000531.2, residues 1843-1863): KLVSTLLVMG[Ile1853Met]FGDEDVKQIL

ClinVar aggregate classification (germline): Uncertain significance (1 of 4 stars; one submission).

Conditions:
RYR1-related disorder. Also called: RYR1-related condition; RYR1-related disorders. Identifiers: MedGen CN239331.

Submission:

Labcorp Genetics (formerly Invitae), Labcorp
Classification: Uncertain significance for RYR1-related disorder. Last evaluated: 2024-05-28. Review status: criteria provided, single submitter. Criteria: Invitae Variant Classification Sherloc (09022015). Collection method: clinical testing. Allele origin: germline.
Comment: This sequence change replaces isoleucine, which is neutral and non-polar, with methionine, which is neutral and non-polar, at codon 1853 of the RYR1 protein (p.Ile1853Met). This variant is not present in population databases (gnomAD no frequency). This variant has not been reported in the literature in individuals affected with RYR1-related conditions. ClinVar contains an entry for this variant (Variation ID: 1719012). Advanced modeling of protein sequence and biophysical properties (such as structural, functional, and spatial information, amino acid conservation, physicochemical variation, residue mobility, and thermodynamic stability) performed at Invitae indicates that this missense variant is not expected to disrupt RYR1 protein function with a negative predictive value of 95%. In summary, the available evidence is currently insufficient to determine the role of this variant in disease. Therefore, it has been classified as a Variant of Uncertain Significance.